The following is an entry in ClinVar:

ClinVar aggregate classification (germline): Likely pathogenic (1 of 4 stars; one submission).

Conditions:
Pigmentary pallidal degeneration (NBIA1). Also called: PKAN NEUROAXONAL DYSTROPHY, JUVENILE-ONSET; Neurodegeneration with brain iron accumulation 1; HARP SYNDROME; Pantothenate Kinase-Associated Neurodegeneration; Neuroaxonal dystrophy, late infantile; Hallervorden-Spatz disease. Identifiers: Orphanet 157850, MedGen C0018523, MONDO:0009319, OMIM 234200.

Allele frequency attached by ClinVar (database versions not stated): gnomAD exomes below 0.00001; TOPMed below 0.00001.
gnomAD v4.1: 2 of 1,614,188 alleles (0.00012%); highest among the groups gnomAD compares: East Asian, 0.0022%; no homozygotes.

Submission:

Labcorp Genetics (formerly Invitae), Labcorp
Classification: Likely pathogenic for Pigmentary pallidal degeneration. Last evaluated: 2023-10-14. Review status: criteria provided, single submitter. Criteria: Invitae Variant Classification Sherloc (09022015). Collection method: clinical testing. Allele origin: germline.
Comment: This sequence change replaces leucine, which is neutral and non-polar, with phenylalanine, which is neutral and non-polar, at codon 563 of the PANK2 protein (p.Leu563Phe). This variant is not present in population databases (gnomAD no frequency). This variant has not been reported in the literature in individuals affected with PANK2-related conditions. Advanced modeling of protein sequence and biophysical properties (such as structural, functional, and spatial information, amino acid conservation, physicochemical variation, residue mobility, and thermodynamic stability) performed at Invitae indicates that this missense variant is expected to disrupt PANK2 protein function. This variant disrupts the p.Leu563 amino acid residue in PANK2. Other variant(s) that disrupt this residue have been determined to be pathogenic (PMID: 28881514, 33853092; Invitae). This suggests that this residue is clinically significant, and that variants that disrupt this residue are likely to be disease-causing. In summary, the currently available evidence indicates that the variant is pathogenic, but additional data are needed to prove that conclusively. Therefore, this variant has been classified as Likely Pathogenic.

Literature cited by the submitters: PubMed 28881514; PubMed 33853092.

NM_001386393.1(PANK2):c.1357C>T (p.Leu453Phe)

Gene: PANK2 (pantothenate kinase 2; plus strand). Cytogenetic location: 20p13.
Variant type: single nucleotide variant.
Coding change: c.1357C>T on transcript NM_001386393.1 (MANE Select); coding-DNA position 1357, C replaced by T.
Protein change: p.Leu453Phe; replaces leucine 453 with phenylalanine.
Molecular consequence: missense variant. On other transcripts: non-coding transcript variant (1).
Genome position (GRCh38, 1-based): chr20:3,923,268, C>T. VCF-style: chr20-3923268-C-T. GRCh37 (hg19) VCF-style: chr20-3903915-C-T.
Other names: c.814C>T, p.Leu272Phe (NM_001324191.2, NM_024960.6, NM_153640.4); c.379C>T, p.Leu127Phe (NM_001324193.2); c.1687C>T, p.Leu563Phe (NM_153638.4); short protein forms L272F, L127F, L453F, L563F.
Identifiers: ClinVar variation 2786445 (VCV002786445.3), dbSNP rs905986782, ClinGen allele CA311043200.